The following is an entry in ClinVar:

NM_001042517.2(DIAPH3):c.2737+94C>T

Gene: DIAPH3 (diaphanous related formin 3; minus strand). Cytogenetic location: 13q21.2.
Variant type: single nucleotide variant.
Coding change: c.2737+94C>T on transcript NM_001042517.2 (MANE Select); 94 bases into the intron after coding-DNA position 2737, C replaced by T.
Molecular consequence: intron variant. On other transcripts: missense variant (1).
Genome position (GRCh38, 1-based): chr13:59,861,313, G>A on the plus strand (C>T on the coding strand, the complement: DIAPH3 is on the minus strand). VCF-style: chr13-59861313-G-A. GRCh37 (hg19) VCF-style: chr13-60435447-G-A.
Other names: c.2042C>T, p.Ser681Phe (NM_001258370.2); c.2527+94C>T (NM_001258368.2); c.2599+94C>T (NM_001258367.2); c.2704+94C>T (NM_001258366.2); c.2737+94C>T (NM_001258369.2); c.1948+94C>T (NM_030932.4); short protein forms S681F.
Identifiers: ClinVar variation 421541 (VCV000421541.2), dbSNP rs867038222, ClinGen allele CA16619818.

ClinVar aggregate classification (germline): Uncertain significance (1 of 4 stars; one submission).

Allele frequency attached by ClinVar (database versions not stated): gnomAD exomes below 0.00001.
gnomAD v4.1: 4 of 1,599,690 alleles (0.00025%); highest among the groups gnomAD compares: Middle Eastern, 0.05%; no homozygotes.

Submission:

GeneDx
Classification: Uncertain significance. Last evaluated: 2018-03-09. Review status: criteria provided, single submitter. Criteria: GeneDx Variant Classification (06012015). Collection method: clinical testing. Allele origin: germline. Affected: yes.
Comment: The S681F variant, present in an alternate transcript of the DIAPH3 gene, has not been reported previously as a pathogenic variant, nor as a benign variant, to our knowledge. Data from control individuals in the NHBI Exome Sequencing Project were not available to assess whether the S681F variant may be a common benign variant in the general population. The S681F variant is a non-conservative amino acid substitution, which is likely to impact secondary protein structure as these residues differ in polarity, charge, size and/or other properties. This substitution occurs at a position that is not conserved. In silico analysis is inconsistent in its predictions as to whether or not the variant is damaging to the protein structure/function. We interpret S681F as a variant of uncertain significance.